The following is an entry in ClinVar:

NM_022437.3(ABCG8):c.63_63+53del

Genes: ABCG5 (ATP binding cassette subfamily G member 5; minus strand), ABCG8 (ATP binding cassette subfamily G member 8; plus strand). Cytogenetic location: 2p21.
Variant type: Deletion.
Coding change: c.63_63+53del on transcript NM_022437.3 (MANE Select); coding-DNA position 63 through 53 bases into the intron after coding-DNA position 63, 54 bases deleted.
Molecular consequence: splice donor variant.
Genome position (GRCh38, 1-based): chr2:43,839,116-43,839,169, 54 bases deleted. GRCh37 (hg19): chr2:44,066,255-44,066,308.
Other names: c.63_63+53del (NM_001357321.2); c.63_63+53del54 (NM_022437.2).
Identifiers: ClinVar variation 499853 (VCV000499853.7), dbSNP rs1553375267, ClinGen allele CA532280643.

ClinVar aggregate classification (germline): Likely pathogenic. Review status: criteria provided, multiple submitters, no conflicts (2 of 4 stars). 3 submissions from 3 submitters: Likely pathogenic (3). Last evaluated 2026-05-14.

Conditions:
ABCG8-related disorder. Also called: ABCG8-related condition.

Submissions (3):

PreventionGenetics, part of Exact Sciences
Classification: Likely pathogenic for ABCG8-related condition. Last evaluated: 2026-05-14. Review status: criteria provided, single submitter. Criteria: ACMG Guidelines, 2015. Collection method: clinical testing. Allele origin: germline.
Comment: The ABCG8 c.63_63+53del54 variant is predicted to result in a deletion affecting a canonical splice site. This variant is predicted to impact splicing based on a computational splicing predictive program; however, the impact of this variant has not been functionally validated (SpliceAI, Jaganathan et al. 2019. PubMed ID: 30661751). To our knowledge, this variant has not been reported in the literature. This variant is reported in 0.040% of alleles in individuals of Latino descent in gnomAD. Variants that disrupt the consensus splice donor site in ABCG8 are expected to be pathogenic. This variant is interpreted as likely pathogenic.

Labcorp Genetics (formerly Invitae), Labcorp
Classification: Likely pathogenic. Last evaluated: 2025-05-07. Review status: criteria provided, single submitter. Criteria: Invitae Variant Classification Sherloc (09022015). Collection method: clinical testing. Allele origin: germline.
Comment: This variant results in the deletion of part of exon 1 of the ABCG8 gene. It is expected to disrupt RNA splicing. Variants that disrupt the donor or acceptor splice site typically lead to a loss of protein function (PMID: 16199547), and loss-of-function variants in ABCG8 are known to be pathogenic (PMID: 11452359, 15375183, 16029460). This variant is present in population databases (no rsID available, gnomAD 0.03%). This variant has not been reported in the literature in individuals affected with ABCG8-related conditions. ClinVar contains an entry for this variant (Variation ID: 499853). In summary, the currently available evidence indicates that the variant is pathogenic, but additional data are needed to prove that conclusively. Therefore, this variant has been classified as Likely Pathogenic.

Eurofins Ntd Llc (ga)
Classification: Likely pathogenic. Last evaluated: 2017-01-11. Review status: criteria provided, single submitter. Criteria: EGL Classification Definitions 2015. Collection method: clinical testing. Allele origin: germline. Observed: 1 variant allele, 1 heterozygote.

Literature cited by the submitters: PubMed 16199547 (cited by Labcorp Genetics (formerly Invitae), Labcorp); PubMed 11452359 (cited by Labcorp Genetics (formerly Invitae), Labcorp); PubMed 15375183 (cited by Labcorp Genetics (formerly Invitae), Labcorp); PubMed 16029460 (cited by Labcorp Genetics (formerly Invitae), Labcorp).